The following is an entry in ClinVar:

NM_022114.4(PRDM16):c.884+4C>T

Gene: PRDM16 (PR/SET domain 16; plus strand). Cytogenetic location: 1p36.32.
Variant type: single nucleotide variant.
Coding change: c.884+4C>T on transcript NM_022114.4 (MANE Select); 4 bases into the intron after coding-DNA position 884, C replaced by T.
Molecular consequence: intron variant.
Genome position (GRCh38, 1-based): chr1:3,403,002, C>T. VCF-style: chr1-3403002-C-T. GRCh37 (hg19) VCF-style: chr1-3319566-C-T.
Other names: c.884+4C>T (NM_199454.3).
Identifiers: ClinVar variation 3704581 (VCV003704581.2).

ClinVar aggregate classification (germline): Uncertain significance (1 of 4 stars; one submission).

Conditions:
Left ventricular noncompaction 8 (LVNC8). Identifiers: Orphanet 154, Orphanet 54260, MedGen C3809288, MONDO:0014152, OMIM 615373.

Submission:

Labcorp Genetics (formerly Invitae), Labcorp
Classification: Uncertain significance for Left ventricular noncompaction 8. Last evaluated: 2024-09-11. Review status: criteria provided, single submitter. Criteria: Invitae Variant Classification Sherloc (09022015). Collection method: clinical testing. Allele origin: germline.
Comment: This sequence change falls in intron 6 of the PRDM16 gene. It does not directly change the encoded amino acid sequence of the PRDM16 protein. It affects a nucleotide within the consensus splice site. This variant is not present in population databases (gnomAD no frequency). This variant has not been reported in the literature in individuals affected with PRDM16-related conditions. Variants that disrupt the consensus splice site are a relatively common cause of aberrant splicing (PMID: 17576681, 9536098). Algorithms developed to predict the effect of sequence changes on RNA splicing suggest that this variant is not likely to affect RNA splicing. In summary, the available evidence is currently insufficient to determine the role of this variant in disease. Therefore, it has been classified as a Variant of Uncertain Significance.

Literature cited by the submitters: PubMed 17576681; PubMed 9536098.